The following is an entry in ClinVar:

ClinVar aggregate classification (germline): Uncertain significance (1 of 4 stars; one submission).

gnomAD v4.1: 1 of 1,613,872 alleles (0.000062%); highest among the groups gnomAD compares: African/African-American, 0.0013%; no homozygotes.

Submission:

Women's Health and Genetics/Laboratory Corporation of America, LabCorp
Classification: Uncertain significance. Last evaluated: 2024-04-04. Review status: criteria provided, single submitter. Criteria: LabCorp Variant Classification Summary - May 2015. Collection method: clinical testing. Allele origin: germline.
Comment: Variant summary: KIDINS220 c.762T>A (p.Asp254Glu) results in a conservative amino acid change in the encoded protein sequence. Three of five in-silico tools predict a benign effect of the variant on protein function. The variant allele was found at a frequency of 4e-06 in 249272 control chromosomes. The available data on variant occurrences in the general population are insufficient to allow any conclusion about variant significance. To our knowledge, no occurrence of c.762T>A in individuals affected with Spastic Paraplegia, Intellectual Disability, Nystagmus, And Obesity and no experimental evidence demonstrating its impact on protein function have been reported. No submitters have cited clinical-significance assessments for this variant to ClinVar. Based on the evidence outlined above, the variant was classified as uncertain significance.

NM_020738.4(KIDINS220):c.762T>A (p.Asp254Glu)

Gene: KIDINS220 (kinase D interacting substrate 220; minus strand). Cytogenetic location: 2p25.1.
Variant type: single nucleotide variant.
Coding change: c.762T>A on transcript NM_020738.4 (MANE Select); coding-DNA position 762, T replaced by A.
Protein change: p.Asp254Glu; replaces aspartic acid 254 with glutamic acid.
Molecular consequence: missense variant. On other transcripts: non-coding transcript variant (2).
Genome position (GRCh38, 1-based): chr2:8,802,969, A>T on the plus strand (T>A on the coding strand, the complement: KIDINS220 is on the minus strand). VCF-style: chr2-8802969-A-T. GRCh37 (hg19) VCF-style: chr2-8943099-A-T.
Other names: c.765T>A, p.Asp255Glu (NM_001348729.2, NM_001348731.2, NM_001348734.2 and 3 more transcripts); c.762T>A, p.Asp254Glu (NM_001348732.2, NM_001348735.2, NM_001348738.2 and 3 more transcripts); c.636T>A, p.Asp212Glu (NM_001348736.2); short protein forms D212E, D254E, D255E.
Identifiers: ClinVar variation 3251547 (VCV003251547.1), dbSNP rs374871442.